The following is an entry in ClinVar:

ClinVar aggregate classification (germline): Uncertain significance (1 of 4 stars; one submission).

Allele frequency attached by ClinVar (database versions not stated): gnomAD exomes below 0.00001.
gnomAD v4.1: 1 of 1,613,188 alleles (0.000062%); highest among the groups gnomAD compares: African/African-American, 0.0013%; no homozygotes.

Submission:

Labcorp Genetics (formerly Invitae), Labcorp
Classification: Uncertain significance. Last evaluated: 2023-11-20. Review status: criteria provided, single submitter. Criteria: Invitae Variant Classification Sherloc (09022015). Collection method: clinical testing. Allele origin: germline.
Comment: This sequence change replaces lysine, which is basic and polar, with threonine, which is neutral and polar, at codon 3137 of the ADGRV1 protein (p.Lys3137Thr). This variant is not present in population databases (gnomAD no frequency). This variant has not been reported in the literature in individuals affected with ADGRV1-related conditions. ClinVar contains an entry for this variant (Variation ID: 1015462). Advanced modeling of protein sequence and biophysical properties (such as structural, functional, and spatial information, amino acid conservation, physicochemical variation, residue mobility, and thermodynamic stability) performed at Invitae indicates that this missense variant is not expected to disrupt ADGRV1 protein function with a negative predictive value of 95%. In summary, the available evidence is currently insufficient to determine the role of this variant in disease. Therefore, it has been classified as a Variant of Uncertain Significance.

NM_032119.4(ADGRV1):c.9410A>C (p.Lys3137Thr)

Gene: ADGRV1 (adhesion G protein-coupled receptor V1; plus strand). Cytogenetic location: 5q14.3.
Variant type: single nucleotide variant.
Coding change: c.9410A>C on transcript NM_032119.4 (MANE Select); coding-DNA position 9410, A replaced by C.
Protein change: p.Lys3137Thr; replaces lysine 3137 with threonine.
Molecular consequence: missense variant. On other transcripts: non-coding transcript variant (1).
Genome position (GRCh38, 1-based): chr5:90,716,692, A>C. VCF-style: chr5-90716692-A-C. GRCh37 (hg19) VCF-style: chr5-90012509-A-C.
Other names: short protein forms K3137T.
Identifiers: ClinVar variation 1015462 (VCV001015462.8), dbSNP rs1750149932, ClinGen allele CA360397700.